The following is an entry in ClinVar:

NM_198586.3(NHLRC1):c.1039G>A (p.Gly347Arg)

Gene: NHLRC1 (NHL repeat containing E3 ubiquitin protein ligase 1; minus strand). Cytogenetic location: 6p22.3.
Variant type: single nucleotide variant.
Coding change: c.1039G>A on transcript NM_198586.3 (MANE Select); coding-DNA position 1039, G replaced by A.
Protein change: p.Gly347Arg; replaces glycine 347 with arginine.
Molecular consequence: missense variant.
Genome position (GRCh38, 1-based): chr6:18,121,568, C>T on the plus strand (G>A on the coding strand, the complement: NHLRC1 is on the minus strand). VCF-style: chr6-18121568-C-T. GRCh37 (hg19) VCF-style: chr6-18121799-C-T.
Other names: short protein forms G347R.
Identifiers: ClinVar variation 934149 (VCV000934149.10), dbSNP rs1783733675, ClinGen allele CA362825135.
Genomic context (GRCh38, chr6:18,121,568, plus strand): 5'-CAGGATGCGAAAGACCATGAGTGACCATGGGCTTCGGTACTGGAAACTCCTCAGGTTTTC[C>T]TAAGCAAAGGATAGCTGGACCAGATGTATCTGCAACAATCACATTTCCCTGGTGATCAAA-3'
Protein context (NP_940988.2, residues 337-357): DTSGPAILCL[Gly347Arg]KPEEFPVPKP

ClinVar aggregate classification (germline): Uncertain significance (1 of 4 stars; one submission).

Conditions:
Lafora disease. Also called: Epilepsy progressive myoclonic 2; Progressive Myoclonus Epilepsy, Lafora Type. Identifiers: Orphanet 501, MedGen C0751783, MONDO:0009697.

Allele frequency attached by ClinVar (database versions not stated): TOPMed below 0.00001.

Submission:

Labcorp Genetics (formerly Invitae), Labcorp
Classification: Uncertain significance for Lafora disease. Last evaluated: 2021-01-16. Review status: criteria provided, single submitter. Criteria: Invitae Variant Classification Sherloc (09022015). Collection method: clinical testing. Allele origin: germline.
Comment: In summary, the available evidence is currently insufficient to determine the role of this variant in disease. Therefore, it has been classified as a Variant of Uncertain Significance. Algorithms developed to predict the effect of missense changes on protein structure and function are either unavailable or do not agree on the potential impact of this missense change (SIFT: "Deleterious"; PolyPhen-2: "Possibly Damaging"; Align-GVGD: "Class C0"). This variant has not been reported in the literature in individuals with NHLRC1-related conditions. This variant is not present in population databases (ExAC no frequency). This sequence change replaces glycine with arginine at codon 347 of the NHLRC1 protein (p.Gly347Arg). The glycine residue is highly conserved and there is a moderate physicochemical difference between glycine and arginine.